The following is an entry in ClinVar:

NM_015915.5(ATL1):c.521del (p.Gln174fs)

Gene: ATL1 (atlastin GTPase 1; plus strand). Cytogenetic location: 14q22.1.
Variant type: Deletion.
Coding change: c.521del on transcript NM_015915.5 (MANE Select); coding-DNA position 521, one base deleted (A; older notation c.521delA).
Protein change: p.Gln174fs; shifts the reading frame from glutamine 174.
Molecular consequence: frameshift variant.
Genome position (GRCh38, 1-based): chr14:50,591,638, A deleted. VCF-style (leftmost placement, unchanged base first): chr14-50591637-CA-C. GRCh37 (hg19) VCF-style: chr14-51058355-CA-C.
Other names: c.521del, p.Gln174fs (NM_001127713.1, NM_181598.4); short protein forms Q174fs.
Identifiers: ClinVar variation 3639402 (VCV003639402.2).

ClinVar aggregate classification (germline): Pathogenic (1 of 4 stars; one submission).

Conditions:
Hereditary spastic paraplegia 3A (SPG3A). Also called: SPASTIC PARAPLEGIA 3, AUTOSOMAL DOMINANT; FAMILIAL SPASTIC PARAPLEGIA, AUTOSOMAL DOMINANT, 1; SPG3; STRUMPELL DISEASE; Spastic Paraplegia 3A; Spastic paraplegia 3A, autosomal dominant. Identifiers: Orphanet 100984, MedGen C2931355, MONDO:0008437, OMIM 182600.

Submission:

Labcorp Genetics (formerly Invitae), Labcorp
Classification: Pathogenic for Hereditary spastic paraplegia 3A. Last evaluated: 2024-04-06. Review status: criteria provided, single submitter. Criteria: Invitae Variant Classification Sherloc (09022015). Collection method: clinical testing. Allele origin: germline.
Comment: This sequence change creates a premature translational stop signal (p.Gln174Argfs*33) in the ATL1 gene. It is expected to result in an absent or disrupted protein product. Loss-of-function variants in ATL1 are known to be pathogenic (PMID: 26888483). This variant is not present in population databases (gnomAD no frequency). This variant has not been reported in the literature in individuals affected with ATL1-related conditions. For these reasons, this variant has been classified as Pathogenic.

Literature cited by the submitters: PubMed 26888483.